The following is an entry in ClinVar:

ClinVar aggregate classification (germline): Uncertain significance (1 of 4 stars; one submission).

Submission:

CeGaT Center for Human Genetics Tuebingen
Classification: Uncertain significance. Last evaluated: 2023-12-01. Review status: criteria provided, single submitter. Criteria: CeGaT Center For Human Genetics Tuebingen Variant Classification Criteria Version 2. Collection method: clinical testing. Allele origin: germline. Affected: yes. Observed: 1 variant allele.
Comment: CAPN12: PM2, BP4

NM_144691.4(CAPN12):c.2036G>T (p.Arg679Leu)

Genes: CAPN12 (calpain 12; minus strand), ACTN4 (actinin alpha 4; plus strand). Cytogenetic location: 19q13.2.
Variant type: single nucleotide variant.
Coding change: c.2036G>T on transcript NM_144691.4 (MANE Select); coding-DNA position 2036, G replaced by T.
Protein change: p.Arg679Leu; replaces arginine 679 with leucine.
Molecular consequence: missense variant. On other transcripts: 3 prime UTR variant (3).
Genome position (GRCh38, 1-based): chr19:38,731,145, C>A on the plus strand (G>T on the coding strand, the complement: CAPN12 is on the minus strand). VCF-style: chr19-38731145-C-A. GRCh37 (hg19) VCF-style: chr19-39221785-C-A.
Other names: c.*1713C>A (NM_001322033.2, NM_001411143.1, NM_004924.6); short protein forms R679L.
Identifiers: ClinVar variation 3025099 (VCV003025099.22), dbSNP rs139019209, ClinGen allele CA405708385.
Genomic context (GRCh38, chr19:38,731,145, plus strand): 5'-ACCATGCCGGGGTGGTACTCACAGAAGATGCAGGTGAGGTGGGCCACACAGGACACGAAC[C>A]GCTCGAAGTCCACACGCAGACGGCTATCCCGGTAGCGGCTGGTGAGGGTCTGGGTCAGCT-3'
Protein context (NP_653292.2, residues 669-689): RDSRLRVDFE[Arg679Leu]FVSCVAHLTC